The following is an entry in ClinVar:

ClinVar aggregate classification (germline): Pathogenic/Likely pathogenic. Review status: criteria provided, multiple submitters, no conflicts (2 of 4 stars). 7 submissions from 7 submitters: Pathogenic (4); Likely pathogenic (2). 1 of the submissions does not count toward it. Last evaluated 2026-06-01.

Conditions:
Familial cancer of breast. Also called: hereditary breast carcinoma; BREAST CANCER, FAMILIAL; Hereditary breast cancer. Identifiers: Orphanet 227535, MedGen C0346153, MONDO:0016419, OMIM 114480. Disease mechanism: loss of function.
Gastric cancer. Also called: Stomach cancer; Malignant tumor of stomach. Identifiers: MedGen C0024623, MeSH D013274, MONDO:0001056, OMIM 613659, HP:0012126.
Breast-ovarian cancer, familial, susceptibility to, 5 (BROVCA5). Identifiers: MedGen C5830615, MONDO:0957530, OMIM 620442.
Hereditary cancer-predisposing syndrome. Also called: Neoplastic Syndromes, Hereditary; Tumor predisposition; Hereditary Cancer Syndrome; Hereditary neoplastic syndrome. Identifiers: Orphanet 140162, MedGen C0027672, MeSH D009386, MONDO:0015356.

Submissions (7):

Institute of Human Genetics, University of Leipzig Medical Center
Classification: Likely pathogenic for Breast-ovarian cancer, familial, susceptibility to, 5. Last evaluated: 2026-06-01. Review status: criteria provided, single submitter. Criteria: ACMG Guidelines, 2015. Collection method: clinical testing. Allele origin: unknown. Inheritance: Autosomal dominant inheritance. Affected: yes.
Comment: Criteria applied: PVS1,PM5_SUP

Quest Diagnostics Nichols Institute San Juan Capistrano
Classification: Likely pathogenic. Last evaluated: 2024-10-14. Review status: criteria provided, single submitter. Criteria: Quest Diagnostics criteria. Collection method: clinical testing. Allele origin: unknown.
Comment: The PALB2 c.2827_2830del (p.Glu943Serfs*18) variant alters the translational reading frame of the PALB2 mRNA and is predicted to cause the premature termination of PALB2 protein synthesis. This variant has been reported in the published literature in in individuals with breast cancer or family history of breast cancer (PMID: 32339256 (2020), 36243179 (2022)) and in reportedly healthy individuals (PMID: 36243179 (2022)). This variant has not been reported in large, multi-ethnic general populations (Genome Aggregation Database). Based on the available information, this variant is classified as likely pathogenic.

Ambry Genetics
Classification: Pathogenic for Hereditary cancer-predisposing syndrome. Last evaluated: 2024-09-13. Review status: criteria provided, single submitter. Criteria: Ambry Variant Classification Scheme 2023. Collection method: clinical testing. Allele origin: germline.
Comment: The c.2827_2830delGAGA pathogenic mutation, located in coding exon 8 of the PALB2 gene, results from a deletion of 4 nucleotides at nucleotide positions 2827 to 2830, causing a translational frameshift with a predicted alternate stop codon (p.E943Sfs*18). This alteration was identified in an individual diagnosed with breast cancer (Zhou J et al. Cancer, 2020 07;126:3202-3208). This variant is considered to be rare based on population cohorts in the Genome Aggregation Database (gnomAD). In addition to the clinical data presented in the literature, this alteration is expected to result in loss of function by premature protein truncation or nonsense-mediated mRNA decay. As such, this alteration is interpreted as a disease-causing mutation.

Myriad Genetics, Inc.
Classification: Pathogenic for Familial cancer of breast. Last evaluated: 2023-09-13. Review status: criteria provided, single submitter. Criteria: Myriad Autosomal Dominant, Autosomal Recessive and X-Linked Classification Criteria (2023). Collection method: clinical testing. Allele origin: unknown.
Comment: This variant is considered pathogenic. This variant creates a frameshift predicted to result in premature protein truncation.

Labcorp Genetics (formerly Invitae), Labcorp
Classification: Pathogenic for Familial cancer of breast. Last evaluated: 2023-08-16. Review status: criteria provided, single submitter. Criteria: Invitae Variant Classification Sherloc (09022015). Collection method: clinical testing. Allele origin: germline.
Comment: For these reasons, this variant has been classified as Pathogenic. ClinVar contains an entry for this variant (Variation ID: 842800). This variant has not been reported in the literature in individuals affected with PALB2-related conditions. This variant is not present in population databases (gnomAD no frequency). This sequence change creates a premature translational stop signal (p.Glu943Serfs*18) in the PALB2 gene. It is expected to result in an absent or disrupted protein product. Loss-of-function variants in PALB2 are known to be pathogenic (PMID: 17200668, 17200671, 17200672, 24136930, 25099575).

Baylor Genetics
Classification: Pathogenic for Familial cancer of breast. Last evaluated: 2023-05-09. Review status: criteria provided, single submitter. Criteria: ACMG Guidelines, 2015. Collection method: clinical testing. Allele origin: unknown.

Laboratory for Genotyping Development, RIKEN
Classification: Pathogenic for Gastric cancer. Last evaluated: 2021-07-01. Review status: no assertion criteria provided. Collection method: research. Allele origin: germline. Not counted in ClinVar's aggregate classification.

Literature cited by the submitters: PubMed 32339256 (cited by Quest Diagnostics Nichols Institute San Juan Capistrano and Ambry Genetics); PubMed 36243179 (cited by Quest Diagnostics Nichols Institute San Juan Capistrano); PubMed 38091153 (cited by Quest Diagnostics Nichols Institute San Juan Capistrano); PubMed 17200668 (cited by Labcorp Genetics (formerly Invitae), Labcorp); PubMed 17200671 (cited by Labcorp Genetics (formerly Invitae), Labcorp); PubMed 17200672 (cited by Labcorp Genetics (formerly Invitae), Labcorp); PubMed 24136930 (cited by Labcorp Genetics (formerly Invitae), Labcorp); PubMed 25099575 (cited by Labcorp Genetics (formerly Invitae), Labcorp); PubMed 36988593 (cited by Laboratory for Genotyping Development, RIKEN).

NM_024675.4(PALB2):c.2827_2830del (p.Glu943fs)

Gene: PALB2 (partner and localizer of BRCA2; minus strand). Cytogenetic location: 16p12.2.
Variant type: Microsatellite.
Coding change: c.2827_2830del on transcript NM_024675.4 (MANE Select); coding-DNA positions 2827 to 2830, 4 bases deleted (GAGA; older notation c.2827_2830delGAGA).
Protein change: p.Glu943fs; shifts the reading frame from glutamic acid 943.
Molecular consequence: frameshift variant.
Genome position (GRCh38, 1-based): chr16:23,624,013-23,624,016, TCTC deleted on the plus strand (GAGA on the coding strand, the reverse complement: PALB2 is on the minus strand); deleting any 4 consecutive bases within chr16:23,624,013-23,624,019 gives the same sequence; the c. name uses the placement nearest the transcript's 3' end. VCF-style (leftmost placement, unchanged base first): chr16-23624012-ATCTC-A. GRCh37 (hg19) VCF-style: chr16-23635333-ATCTC-A.
Other names: c.2827_2830delGAGA (NM_024675.3); short protein forms E943fs.
Identifiers: ClinVar variation 842800 (VCV000842800.32), dbSNP rs1224428422, ClinGen allele CA719178704.
Genomic context (GRCh38, chr16:23,624,012, plus strand): 5'-CCAGCTGACAGAGACAAAGATGAAGGAAAAACAAATCACTCCTTGGGAATTACATACCTG[ATCTC>A]TCTGATTTCCAAATTTCCCAAAGCTACACACACGAGATTATACACATCAGGCACTGGAAC-3'